The following is an entry in ClinVar:

ClinVar aggregate classification (germline): Benign/Likely benign. Review status: criteria provided, multiple submitters, no conflicts (2 of 4 stars). 8 submissions from 8 submitters: Benign (1); Likely benign (5). 2 of the submissions do not count toward it. Last evaluated 2026-08-01.

Conditions:
Cardiovascular phenotype. Identifiers: MedGen CN230736.
Primary dilated cardiomyopathy (DCM). Also called: Dilated Cardiomyopathy. Identifiers: Orphanet 217604, MedGen C0007193, MeSH D002311, MONDO:0005021, HP:0001644. Inheritance: Various modes of inheritance.

Allele frequency attached by ClinVar (database versions not stated): gnomAD exomes 0.00084; ExAC 0.00088; gnomAD 0.00108; TOPMed 0.00109; ESP Exome Variant Server 0.00148; 1000 Genomes Project 0.00060; 1000 Genomes Project 30x 0.00062.
gnomAD v4.1: 2,675 of 1,613,952 alleles (0.17%); highest among the groups gnomAD compares: Non-Finnish European, 0.22%; 1 homozygote.

Submissions (8):

CeGaT Center for Human Genetics Tuebingen
Classification: Likely benign. Last evaluated: 2026-08-01. Review status: criteria provided, single submitter. Criteria: CeGaT Center For Human Genetics Tuebingen Variant Classification Criteria Version 2. Collection method: clinical testing. Allele origin: germline. Affected: yes. Observed: 2 variant alleles.
Comment: TXNRD2: BP4, BP7

Labcorp Genetics (formerly Invitae), Labcorp
Classification: Benign for Primary dilated cardiomyopathy. Last evaluated: 2026-02-04. Review status: criteria provided, single submitter. Criteria: Invitae Variant Classification Sherloc (09022015). Collection method: clinical testing. Allele origin: germline.

Blueprint Genetics
Classification: Likely benign. Last evaluated: 2024-10-30. Review status: criteria provided, single submitter. Criteria: ACMG Guidelines, 2015. Collection method: clinical testing. Allele origin: germline.

GeneDx
Classification: Likely benign. Last evaluated: 2021-01-14. Review status: criteria provided, single submitter. Criteria: GeneDx Variant Classification Process June 2021. Collection method: clinical testing. Allele origin: germline. Affected: yes.
Comment: This variant is associated with the following publications: (PMID: 21247928)

Ambry Genetics
Classification: Likely benign for Cardiovascular phenotype. Last evaluated: 2016-07-13. Review status: criteria provided, single submitter. Criteria: Ambry Variant Classification Scheme 2023. Collection method: clinical testing. Allele origin: germline.

Breakthrough Genomics
Classification: Likely benign. Review status: criteria provided, single submitter. Criteria: ACMG Guidelines, 2015. Collection method: not provided. Allele origin: germline. Inheritance: Autosomal recessive inheritance. Affected: yes.

Clinical Genetics DNA and cytogenetics Diagnostics Lab, Erasmus MC, Erasmus Medical Center
Classification: Likely benign. Review status: no assertion criteria provided. Collection method: clinical testing. Allele origin: germline. Affected: yes. Study: VKGL Data-share Consensus. Not counted in ClinVar's aggregate classification.

Diagnostic Laboratory, Department of Genetics, University Medical Center Groningen
Classification: Likely benign. Review status: no assertion criteria provided. Collection method: clinical testing. Allele origin: germline. Affected: yes. Study: VKGL Data-share Consensus. Not counted in ClinVar's aggregate classification.

NM_006440.5(TXNRD2):c.933C>T (p.Thr311=)

Gene: TXNRD2 (thioredoxin reductase 2; minus strand). Cytogenetic location: 22q11.21.
Variant type: single nucleotide variant.
Coding change: c.933C>T on transcript NM_006440.5 (MANE Select); coding-DNA position 933, C replaced by T.
Protein change: p.Thr311=; no amino-acid change (threonine 311 retained).
Molecular consequence: synonymous variant. On other transcripts: non-coding transcript variant (1).
Genome position (GRCh38, 1-based): chr22:19,895,423, G>A on the plus strand (C>T on the coding strand, the complement: TXNRD2 is on the minus strand). VCF-style: chr22-19895423-G-A. GRCh37 (hg19) VCF-style: chr22-19882946-G-A.
Other names: c.933C>T, p.Thr311= (NM_001282512.3); c.930C>T, p.Thr310= (NM_001352300.2); c.843C>T, p.Thr281= (NM_001352301.2); c.645C>T, p.Thr215= (NM_001352302.2); c.837C>T, p.Thr279= (NM_001352303.2).
Identifiers: ClinVar variation 240658 (VCV000240658.48), dbSNP rs187065627, ClinGen allele CA10103943.
Genomic context (GRCh38, chr22:19,895,423, plus strand): 5'-TCGGGGAGACCAGAGACAGAGCGTGTGGCTCGACGTGCCCTTACCTATGGCCCACAGGAC[G>A]GTGTCAAAGGTGCCCGTGTCCTCCTTGCCGGTGGTGCTGTCCTCCCAGGTGACCTGCAGC-3'
Protein context (NP_006431.2, residues 301-321): TGKEDTGTFD[Thr311=]VLWAIGRVPD